The following is an entry in ClinVar:

ClinVar aggregate classification (germline): Uncertain significance (1 of 4 stars; one submission).

Conditions:
Hereditary cancer-predisposing syndrome. Also called: Neoplastic Syndromes, Hereditary; Tumor predisposition; Hereditary Cancer Syndrome; Hereditary neoplastic syndrome. Identifiers: Orphanet 140162, MedGen C0027672, MeSH D009386, MONDO:0015356.

Submission:

Ambry Genetics
Classification: Uncertain significance for Hereditary cancer-predisposing syndrome. Last evaluated: 2026-04-02. Review status: criteria provided, single submitter. Criteria: Ambry Variant Classification Scheme 2023. Collection method: clinical testing. Allele origin: germline.
Comment: The c.3388dupA variant, located in coding exon 28 of the EGFR gene, results from a duplication of A at nucleotide position 3388, causing a translational frameshift with a predicted alternate stop codon (p.S1130Kfs*37). This variant occurs at the 3' terminus of the gene, is not expected to trigger nonsense-mediated mRNAdecay, and impacts the last 6.7% of the protein. The exact functional effect of this variant is unknown. Based on the available evidence, the clinical significance of this variant remains unclear.

NM_005228.5(EGFR):c.3388dup (p.Ser1130fs)

Gene: EGFR (epidermal growth factor receptor; plus strand). Cytogenetic location: 7p11.2.
Variant type: Duplication.
Coding change: c.3388dup on transcript NM_005228.5 (MANE Select); coding-DNA position 3388, one base duplicated (A; older notation c.3388dupA).
Protein change: p.Ser1130fs; shifts the reading frame from serine 1130.
Molecular consequence: frameshift variant.
Genome position (GRCh38, 1-based): chr7:55,205,372, A duplicated. VCF-style (leftmost placement, unchanged base first): chr7-55205371-C-CA. GRCh37 (hg19) VCF-style: chr7-55273064-C-CA.
Other names: c.3388dupA (NM_005228.3); c.3253dup, p.Ser1085fs (NM_001346899.2); c.3229dup, p.Ser1077fs (NM_001346900.2); c.2587dup, p.Ser863fs (NM_001346941.2); short protein forms S1077fs, S1085fs, S1130fs, S863fs.
Identifiers: ClinVar variation 4870224 (VCV004870224.1).